The following is an entry in ClinVar:

ClinVar aggregate classification (germline): Pathogenic (3 of 4 stars; one submission).

Conditions:
Breast-ovarian cancer, familial, susceptibility to, 1 (BROVCA1). Also called: BRCA1 Hereditary Breast and Ovarian Cancer; OVARIAN CANCER, SUSCEPTIBILITY TO. Identifiers: Orphanet 145, MedGen C2676676, MONDO:0011450, OMIM 604370. Disease mechanism: loss of function.

Submission:

Evidence-based Network for the Interpretation of Germline Mutant Alleles (ENIGMA)
Classification: Pathogenic for Breast-ovarian cancer, familial, susceptibility to, 1. Last evaluated: 2017-12-15. Review status: reviewed by expert panel. Criteria: ENIGMA BRCA1/2 Classification Criteria (2017-06-29). Collection method: curation. Allele origin: germline. Study: ENIGMA.
Comment: Variant allele predicted to encode a truncated non-functional protein.

NM_007294.4(BRCA1):c.3761_3762insT (p.Lys1254fs)

Genes: BRCA1 (BRCA1 DNA repair associated; minus strand), LOC126862571 (BRD4-independent group 4 enhancer GRCh37_chr17:41243136-41244335; plus strand). Cytogenetic location: 17q21.31.
Variant type: Insertion.
Coding change: c.3761_3762insT on transcript NM_007294.4 (MANE Select); coding-DNA positions 3761 to 3762, T inserted.
Protein change: p.Lys1254fs; shifts the reading frame from lysine 1254.
Molecular consequence: frameshift variant. On other transcripts: intron variant (135).
Genome position: GRCh38 VCF-style: chr17-43091769-C-CA. GRCh37 (hg19) VCF-style: chr17-41243786-C-CA.
Other names: c.3548_3549insT, p.Lys1183fs (NM_001407571.1, NM_001407853.1, NM_001407894.1 and 9 more transcripts); c.3761_3762insT, p.Lys1254fs (NM_001407581.1, NM_001407582.1, NM_001407583.1 and 30 more transcripts); c.3758_3759insT, p.Lys1253fs (NM_001407587.1, NM_001407590.1, NM_001407591.1 and 22 more transcripts); c.3752_3753insT, p.Lys1251fs (NM_001407646.1, NM_001407647.1); c.3638_3639insT, p.Lys1213fs (NM_001407648.1, NM_001407664.1, NM_001407665.1 and 19 more transcripts); c.3635_3636insT, p.Lys1212fs (NM_001407649.1, NM_001407670.1, NM_001407671.1 and 11 more transcripts); c.3683_3684insT, p.Lys1228fs (NM_001407653.1, NM_001407654.1, NM_001407655.1 and 4 more transcripts); c.3680_3681insT, p.Lys1227fs (NM_001407659.1, NM_001407660.1, NM_001407661.1 and 1 more transcripts); and 41 more; short protein forms K1254fs, K1207fs, K1143fs, K1165fs, K1166fs, K1183fs, K1184fs, K1213fs.
Identifiers: ClinVar variation 548207 (VCV000548207.2), dbSNP rs80357928, ClinGen allele CA658823940.